The following is an entry in ClinVar:

ClinVar aggregate classification (germline): Uncertain significance (1 of 4 stars; one submission).

Conditions:
Perlman syndrome (PRLMNS). Identifiers: Orphanet 2849, MedGen C0796113, MONDO:0009965, OMIM 267000.

Submission:

Labcorp Genetics (formerly Invitae), Labcorp
Classification: Uncertain significance for Perlman syndrome. Last evaluated: 2019-12-05. Review status: criteria provided, single submitter. Criteria: Invitae Variant Classification Sherloc (09022015). Collection method: clinical testing. Allele origin: germline.
Comment: In summary, the available evidence is currently insufficient to determine the role of this variant in disease. Therefore, it has been classified as a Variant of Uncertain Significance. Algorithms developed to predict the effect of missense changes on protein structure and function are either unavailable or do not agree on the potential impact of this missense change (SIFT: "Deleterious"; PolyPhen-2: "Benign"; Align-GVGD: "Class C0"). This variant has not been reported in the literature in individuals with DIS3L2-related conditions. This variant is not present in population databases (ExAC no frequency). This sequence change replaces lysine with arginine at codon 405 of the DIS3L2 protein (p.Lys405Arg). The lysine residue is weakly conserved and there is a small physicochemical difference between lysine and arginine.

NM_152383.5(DIS3L2):c.1214A>G (p.Lys405Arg)

Gene: DIS3L2 (DIS3 like 3'-5' exoribonuclease 2; plus strand). Cytogenetic location: 2q37.1.
Variant type: single nucleotide variant.
Coding change: c.1214A>G on transcript NM_152383.5 (MANE Select); coding-DNA position 1214, A replaced by G.
Protein change: p.Lys405Arg; replaces lysine 405 with arginine.
Molecular consequence: missense variant. On other transcripts: non-coding transcript variant (2).
Genome position (GRCh38, 1-based): chr2:232,238,542, A>G. VCF-style: chr2-232238542-A-G. GRCh37 (hg19) VCF-style: chr2-233103252-A-G.
Other names: c.1214A>G, p.Lys405Arg (NM_001257281.2); short protein forms K405R.
Identifiers: ClinVar variation 842044 (VCV000842044.9), dbSNP rs1692996326, ClinGen allele CA351154570.
Genomic context (GRCh38, chr2:232,238,542, plus strand): 5'-AATGCTGTGGCCTTCCACGCCAGCCTGATAGTCCTTCTCGTGCATTTACAGGCAACTTCA[A>G]AGTGGGAGTTCACATTGCTGACGTGAGTTACTTTGTTCCGGAGGGATCTGATCTGGATAA-3'
Protein context (NP_689596.4, residues 395-415): SCKPLADGNF[Lys405Arg]VGVHIADVSY